The following is an entry in ClinVar:

ClinVar aggregate classification (germline): Uncertain significance (1 of 4 stars; one submission).

Conditions:
NIK deficiency. Also called: Primary immunodeficiency with multifaceted aberrant lymphoid immunity. Identifiers: Orphanet 447731, MedGen C5680065, MONDO:0018642.

Allele frequency attached by ClinVar (database versions not stated): gnomAD exomes 0.00001.
gnomAD v4.1: 10 of 1,613,946 alleles (0.00062%); highest among the groups gnomAD compares: Non-Finnish European, 0.00085%; no homozygotes.

Submission:

Labcorp Genetics (formerly Invitae), Labcorp
Classification: Uncertain significance for NIK deficiency. Last evaluated: 2021-06-15. Review status: criteria provided, single submitter. Criteria: Invitae Variant Classification Sherloc (09022015). Collection method: clinical testing. Allele origin: germline.
Comment: This sequence change replaces proline with alanine at codon 454 of the MAP3K14 protein (p.Pro454Ala). The proline residue is highly conserved and there is a small physicochemical difference between proline and alanine. In summary, the available evidence is currently insufficient to determine the role of this variant in disease. Therefore, it has been classified as a Variant of Uncertain Significance. Experimental studies and prediction algorithms are not available or were not evaluated, and the functional significance of this variant is currently unknown. This variant has not been reported in the literature in individuals with MAP3K14-related conditions. This variant is not present in population databases (ExAC no frequency).

NM_003954.5(MAP3K14):c.1360C>G (p.Pro454Ala)

Gene: MAP3K14 (mitogen-activated protein kinase kinase kinase 14; minus strand). Cytogenetic location: 17q21.31.
Variant type: single nucleotide variant.
Coding change: c.1360C>G on transcript NM_003954.5 (MANE Select); coding-DNA position 1360, C replaced by G.
Protein change: p.Pro454Ala; replaces proline 454 with alanine.
Molecular consequence: missense variant.
Genome position (GRCh38, 1-based): chr17:45,274,524, G>C on the plus strand (C>G on the coding strand, the complement: MAP3K14 is on the minus strand). VCF-style: chr17-45274524-G-C. GRCh37 (hg19) VCF-style: chr17-43351891-G-C.
Other names: short protein forms P454A.
Identifiers: ClinVar variation 1450496 (VCV001450496.6), dbSNP rs2143792169, ClinGen allele CA399883979.